The following is an entry in ClinVar:

NM_002775.5(HTRA1):c.108G>C (p.Gly36=)

Gene: HTRA1 (HtrA serine peptidase 1; plus strand). Cytogenetic location: 10q26.13.
Variant type: single nucleotide variant.
Coding change: c.108G>C on transcript NM_002775.5 (MANE Select); coding-DNA position 108, G replaced by C.
Protein change: p.Gly36=; no amino-acid change (glycine 36 retained).
Molecular consequence: synonymous variant.
Genome position (GRCh38, 1-based): chr10:122,461,760, G>C. VCF-style: chr10-122461760-G-C. GRCh37 (hg19) VCF-style: chr10-124221276-G-C.
Other names: p.Gly36=.
Identifiers: ClinVar variation 21325 (VCV000021325.19), dbSNP rs2293870, ClinGen allele CA341901.
Genomic context (GRCh38, chr10:122,461,760, plus strand): 5'-GGCGGCGCCCGCCTCGGCGCAGCTGTCCCGGGCCGGCCGCTCGGCGCCTTTGGCCGCCGG[G>C]TGCCCAGACCGCTGCGAGCCGGCGCGCTGCCCGCCGCAGCCGGAGCACTGCGAGGGCGGC-3'
Protein context (NP_002766.1, residues 26-46): RAGRSAPLAA[Gly36=]CPDRCEPARC

ClinVar aggregate classification (germline): Benign/Likely benign. Review status: criteria provided, multiple submitters, no conflicts (2 of 4 stars). 8 submissions from 8 submitters: Benign (4); Likely benign (1). 3 of the submissions do not count toward it. Last evaluated 2026-02-01.

Conditions:
Cerebral arteriopathy, autosomal recessive, with subcortical infarcts and leukoencephalopathy 2. Also called: CEREBROVASCULAR DISEASE WITH THIN SKIN, ALOPECIA, AND DISC DISEASE; SUBCORTICAL VASCULAR ENCEPHALOPATHY, PROGRESSIVE; Cerebral autosomal recessive arteriopathy with subcortical infarcts and leukoencephalopathy; CARASIL syndrome; MAEDA SYNDROME. Identifiers: Orphanet 199354, MedGen C6022615, MONDO:0010829, OMIM 600142.

Allele frequency attached by ClinVar (database versions not stated): 1000 Genomes Project 0.04892; 1000 Genomes Project 30x 0.05169.
gnomAD v4.1: 145,436 of 1,101,636 alleles (13%); highest among the groups gnomAD compares: Non-Finnish European, 15%; 10,663 homozygotes.

Submissions (8):

Labcorp Genetics (formerly Invitae), Labcorp
Classification: Benign. Last evaluated: 2026-02-01. Review status: criteria provided, single submitter. Criteria: Invitae Variant Classification Sherloc (09022015). Collection method: clinical testing. Allele origin: germline.

Mayo Clinic Laboratories, Mayo Clinic
Classification: Benign. Last evaluated: 2023-01-11. Review status: criteria provided, single submitter. Criteria: ACMG Guidelines, 2015. Collection method: clinical testing. Allele origin: germline. Observed: 128 variant alleles.
Comment: BA1, BP4, BP7

GeneDx
Classification: Benign. Last evaluated: 2021-05-04. Review status: criteria provided, single submitter. Criteria: GeneDx Variant Classification Process June 2021. Collection method: clinical testing. Allele origin: germline. Affected: yes.
Comment: This variant is associated with the following publications: (PMID: 26310622, 18164066, 23478260)

Athena Diagnostics
Classification: Benign for Cerebral arteriopathy, autosomal recessive, with subcortical infarcts and leukoencephalopathy 2. Last evaluated: 2017-06-01. Review status: criteria provided, single submitter. Criteria: Athena Diagnostics Criteria. Collection method: clinical testing. Allele origin: germline.

Breakthrough Genomics
Classification: Likely benign. Review status: criteria provided, single submitter. Criteria: ACMG Guidelines, 2015. Collection method: not provided. Allele origin: germline. Inheritance: Autosomal recessive inheritance. Affected: yes.

GeneReviews
No classification provided. Condition: Cerebral arteriopathy, autosomal recessive, with subcortical infarcts and leukoencephalopathy 2. Review status: no classification provided. Collection method: literature only. Allele origin: unknown. Not counted in ClinVar's aggregate classification.

Genome Diagnostics Laboratory, Amsterdam University Medical Center
Classification: Benign. Review status: no assertion criteria provided. Collection method: clinical testing. Allele origin: germline. Affected: yes. Study: VKGL Data-share Consensus. Not counted in ClinVar's aggregate classification.

Laboratory of Diagnostic Genome Analysis, Leiden University Medical Center (LUMC)
Classification: Likely benign. Review status: no assertion criteria provided. Collection method: clinical testing. Allele origin: germline. Affected: yes. Study: VKGL Data-share Consensus. Not counted in ClinVar's aggregate classification.

Literature cited by the submitters: PubMed 20437615 (cited by GeneReviews); NCBI Bookshelf NBK32533 (cited by GeneReviews).